The following is an entry in ClinVar:

NM_001082486.2(ACD):c.1126G>C (p.Val376Leu)

Gene: ACD (ACD shelterin complex subunit and telomerase recruitment factor; minus strand). Cytogenetic location: 16q22.1.
Variant type: single nucleotide variant.
Coding change: c.1126G>C on transcript NM_001082486.2 (MANE Select); coding-DNA position 1126, G replaced by C.
Protein change: p.Val376Leu; replaces valine 376 with leucine.
Molecular consequence: missense variant.
Genome position (GRCh38, 1-based): chr16:67,658,066, C>G on the plus strand (G>C on the coding strand, the complement: ACD is on the minus strand). VCF-style: chr16-67658066-C-G. GRCh37 (hg19) VCF-style: chr16-67691969-C-G.
Other names: c.1039G>C, p.Val347Leu (NM_001410884.1); c.1117G>C, p.Val373Leu (NM_022914.3); short protein forms V376L, V347L, V373L.
Identifiers: ClinVar variation 3261523 (VCV003261523.1).

ClinVar aggregate classification (germline): Uncertain significance (1 of 4 stars; one submission).

Conditions:
Inborn genetic diseases. Identifiers: MedGen C0950123, MeSH D030342.

Submission:

Ambry Genetics
Classification: Uncertain significance for Inborn genetic diseases. Last evaluated: 2024-04-24. Review status: criteria provided, single submitter. Criteria: Ambry Variant Classification Scheme 2023. Collection method: clinical testing. Allele origin: germline.
Comment: The p.V462L variant (also known as c.1384G>C), located in coding exon 10 of the ACD gene, results from a G to C substitution at nucleotide position 1384. The valine at codon 462 is replaced by leucine, an amino acid with highly similar properties. This amino acid position is conserved. In addition, this alteration is predicted to be tolerated by in silico analysis. Based on the available evidence, the clinical significance of this variant remains unclear.